The following is an entry in ClinVar:

NM_004036.5(ADCY3):c.3089T>C (p.Ile1030Thr)

Genes: ADCY3 (adenylate cyclase 3; minus strand), CENPO (centromere protein O; plus strand). Cytogenetic location: 2p23.3.
Variant type: single nucleotide variant.
Coding change: c.3089T>C on transcript NM_004036.5 (MANE Select); coding-DNA position 3089, T replaced by C.
Protein change: p.Ile1030Thr; replaces isoleucine 1030 with threonine.
Molecular consequence: missense variant. On other transcripts: 3 prime UTR variant (3), non-coding transcript variant (3).
Genome position (GRCh38, 1-based): chr2:24,821,555, A>G on the plus strand (T>C on the coding strand, the complement: ADCY3 is on the minus strand). VCF-style: chr2-24821555-A-G. GRCh37 (hg19) VCF-style: chr2-25044424-A-G.
Other names: c.3092T>C, p.Ile1031Thr (NM_001320613.2); c.3155T>C, p.Ile1052Thr (NM_001377128.1); c.2951T>C, p.Ile984Thr (NM_001377129.1); c.2537T>C, p.Ile846Thr (NM_001377130.1); c.2366T>C, p.Ile789Thr (NM_001377131.1); c.3089T>C, p.Ile1030Thr (NM_001377132.1); c.*2237A>G (NM_001199803.3, NM_001322101.2, NM_024322.4); short protein forms I1031T, I984T, I789T, I1052T, I846T, I1030T.
Identifiers: ClinVar variation 5001939 (VCV005001939.1).

ClinVar aggregate classification (germline): Uncertain significance (1 of 4 stars; one submission).

Conditions:
ADCY3-related disorder. Also called: ADCY3-related condition.

Submission:

PreventionGenetics, part of Exact Sciences
Classification: Uncertain significance for ADCY3-related condition. Last evaluated: 2024-11-18. Review status: criteria provided, single submitter. Criteria: ACMG Guidelines, 2015. Collection method: clinical testing. Allele origin: germline.
Comment: The ADCY3 c.3092T>C variant is predicted to result in the amino acid substitution p.Ile1031Thr. To our knowledge, this variant has not been reported in the literature or in a large population database (gnomAD), indicating this variant is rare. At this time, the clinical significance of this variant is uncertain due to the absence of conclusive functional and genetic evidence.